The following is an entry in ClinVar:

ClinVar aggregate classification (germline): Uncertain significance (1 of 4 stars; one submission).

Submission:

Labcorp Genetics (formerly Invitae), Labcorp
Classification: Uncertain significance. Last evaluated: 2024-12-13. Review status: criteria provided, single submitter. Criteria: Invitae Variant Classification Sherloc (09022015). Collection method: clinical testing. Allele origin: germline.
Comment: This sequence change replaces leucine, which is neutral and non-polar, with valine, which is neutral and non-polar, at codon 284 of the OR2W3 protein (p.Leu284Val). This variant is not present in population databases (gnomAD no frequency). This variant has not been reported in the literature in individuals affected with OR2W3-related conditions. An algorithm developed to predict the effect of missense changes on protein structure and function (PolyPhen-2) suggests that this variant is likely to be tolerated. In summary, the available evidence is currently insufficient to determine the role of this variant in disease. Therefore, it has been classified as a Variant of Uncertain Significance.

NM_001001957.2(OR2W3):c.850C>G (p.Leu284Val)

Gene: OR2W3 (olfactory receptor family 2 subfamily W member 3; plus strand). Cytogenetic location: 1q44.
Variant type: single nucleotide variant.
Coding change: c.850C>G on transcript NM_001001957.2 (MANE Select); coding-DNA position 850, C replaced by G.
Protein change: p.Leu284Val; replaces leucine 284 with valine.
Molecular consequence: missense variant.
Genome position (GRCh38, 1-based): chr1:247,896,436, C>G. VCF-style: chr1-247896436-C-G. GRCh37 (hg19) VCF-style: chr1-248059738-C-G.
Other names: short protein forms L284V.
Identifiers: ClinVar variation 3727244 (VCV003727244.2).